The following is an entry in ClinVar:

NM_000232.5(SGCB):c.-25G>A

Genes: SGCB (sarcoglycan beta; minus strand), LOC129992585 (ATAC-STARR-seq lymphoblastoid silent region 15421; plus strand). Cytogenetic location: 4q12.
Variant type: single nucleotide variant.
Coding change: c.-25G>A on transcript NM_000232.5 (MANE Select); 25 bases upstream of the start codon, G replaced by A.
Molecular consequence: 5 prime UTR variant.
Genome position (GRCh38, 1-based): chr4:52,038,284, C>T on the plus strand (G>A on the coding strand, the complement: SGCB is on the minus strand). VCF-style: chr4-52038284-C-T. GRCh37 (hg19) VCF-style: chr4-52904450-C-T.
Identifiers: ClinVar variation 348886 (VCV000348886.6), dbSNP rs571169918, ClinGen allele CA2918529.

ClinVar aggregate classification (germline): Benign/Likely benign. Review status: criteria provided, multiple submitters, no conflicts (2 of 4 stars). 2 submissions from 2 submitters: Benign (1); Likely benign (1). Last evaluated 2018-01-13.

Conditions:
Qualitative or quantitative defects of beta-sarcoglycan. Identifiers: Orphanet 207063, MedGen C2930900, MONDO:0016142.

Allele frequency attached by ClinVar (database versions not stated): gnomAD exomes 0.00057 and 0.00062; ExAC 0.00110; gnomAD 0.00555 and 0.00589; TOPMed 0.00577; 1000 Genomes Project 30x 0.00734; 1000 Genomes Project 0.00759.
gnomAD v4.1: 1,496 of 1,291,038 alleles (0.12%); highest among the groups gnomAD compares: African/African-American, 2.1%; 8 homozygotes.

Submissions (2):

Illumina Laboratory Services, Illumina
Classification: Benign for Qualitative or quantitative defects of beta-sarcoglycan. Last evaluated: 2018-01-13. Review status: criteria provided, single submitter. Criteria: ICSL Variant Classification Criteria 13 December 2019. Collection method: clinical testing. Allele origin: germline.
Comment: This variant was observed in the ICSL laboratory as part of a predisposition screen in an ostensibly healthy population. It had not been previously curated by ICSL or reported in the Human Gene Mutation Database (HGMD: prior to June 1st, 2018), and was therefore a candidate for classification through an automated scoring system. Utilizing variant allele frequency, disease prevalence and penetrance estimates, and inheritance mode, an automated score was calculated to assess if this variant is too frequent to cause the disease. Based on the score and internal cut-off values, a variant classified as benign is not then subjected to further curation. The score for this variant resulted in a classification of benign for this disease.

GeneDx
Classification: Likely benign. Last evaluated: 2017-09-28. Review status: criteria provided, single submitter. Criteria: GeneDx Variant Classification (06012015). Collection method: clinical testing. Allele origin: germline. Affected: yes.
Comment: This variant is considered likely benign or benign based on one or more of the following criteria: it is a conservative change, it occurs at a poorly conserved position in the protein, it is predicted to be benign by multiple in silico algorithms, and/or has population frequency not consistent with disease.